The following is an entry in ClinVar:

ClinVar aggregate classification (germline): Uncertain significance (1 of 4 stars; one submission).

gnomAD v4.1: 6 of 1,614,186 alleles (0.00037%); highest among the groups gnomAD compares: Non-Finnish European, 0.00051%; no homozygotes.

Submission:

Ambry Genetics
Classification: Uncertain significance. Last evaluated: 2025-04-05. Review status: criteria provided, single submitter. Criteria: Ambry Variant Classification Scheme 2023. Collection method: clinical testing. Allele origin: germline.
Comment: The p.Q80R variant (also known as c.239A>G), located in coding exon 1 of the TET2 gene, results from an A to G substitution at nucleotide position 239. The glutamine at codon 80 is replaced by arginine, an amino acid with highly similar properties. This amino acid position is conserved. In addition, this alteration is predicted to be tolerated by in silico analysis. Based on the available evidence, the clinical significance of this variant remains unclear.

NM_001127208.3(TET2):c.239A>G (p.Gln80Arg)

Genes: TET2 (tet methylcytosine dioxygenase 2; plus strand), TET2-AS1 (TET2 antisense RNA 1; minus strand). Cytogenetic location: 4q24.
Variant type: single nucleotide variant.
Coding change: c.239A>G on transcript NM_001127208.3 (MANE Select); coding-DNA position 239, A replaced by G.
Protein change: p.Gln80Arg; replaces glutamine 80 with arginine.
Molecular consequence: missense variant.
Genome position (GRCh38, 1-based): chr4:105,234,181, A>G. VCF-style: chr4-105234181-A-G. GRCh37 (hg19) VCF-style: chr4-106155338-A-G.
Other names: c.239A>G, p.Gln80Arg (NM_017628.4); short protein forms Q80R.
Identifiers: ClinVar variation 3967532 (VCV003967532.1).